The following is an entry in ClinVar:

NM_001358921.2(COQ2):c.331A>G (p.Met111Val)

Gene: COQ2 (coenzyme Q2, polyprenyltransferase; minus strand). Cytogenetic location: 4q21.23.
Variant type: single nucleotide variant.
Coding change: c.331A>G on transcript NM_001358921.2 (MANE Select); coding-DNA position 331, A replaced by G.
Protein change: p.Met111Val; replaces methionine 111 with valine.
Molecular consequence: missense variant.
Genome position (GRCh38, 1-based): chr4:83,279,037, T>C on the plus strand (A>G on the coding strand, the complement: COQ2 is on the minus strand). VCF-style: chr4-83279037-T-C. GRCh37 (hg19) VCF-style: chr4-84200190-T-C.
Other names: c.481A>G (NM_015697.7); c.481A>G, p.Met161Val (NM_015697.9); short protein forms M111V, M161V.
Identifiers: ClinVar variation 2383288 (VCV002383288.8), dbSNP rs755053663, ClinGen allele CA2988628.

ClinVar aggregate classification (germline): Uncertain significance. Review status: criteria provided, multiple submitters, no conflicts (2 of 4 stars). 4 submissions from 4 submitters: Uncertain significance (4). Last evaluated 2024-07-08.

Conditions:
Inborn genetic diseases. Identifiers: MedGen C0950123, MeSH D030342.

Allele frequency attached by ClinVar (database versions not stated): gnomAD 0.00002; TOPMed 0.00003; ExAC 0.00005.

Submissions (4):

Blueprint Genetics
Classification: Uncertain significance. Last evaluated: 2024-07-08. Review status: criteria provided, single submitter. Criteria: ACMG Guidelines, 2015. Collection method: clinical testing. Allele origin: germline.

Labcorp Genetics (formerly Invitae), Labcorp
Classification: Uncertain significance. Last evaluated: 2023-12-21. Review status: criteria provided, single submitter. Criteria: Invitae Variant Classification Sherloc (09022015). Collection method: clinical testing. Allele origin: germline.
Comment: This sequence change replaces methionine, which is neutral and non-polar, with valine, which is neutral and non-polar, at codon 161 of the COQ2 protein (p.Met161Val). This variant is present in population databases (rs755053663, gnomAD 0.005%). This variant has not been reported in the literature in individuals affected with COQ2-related conditions. ClinVar contains an entry for this variant (Variation ID: 2383288). Advanced modeling of protein sequence and biophysical properties (such as structural, functional, and spatial information, amino acid conservation, physicochemical variation, residue mobility, and thermodynamic stability) performed at Invitae indicates that this missense variant is not expected to disrupt COQ2 protein function with a negative predictive value of 80%. In summary, the available evidence is currently insufficient to determine the role of this variant in disease. Therefore, it has been classified as a Variant of Uncertain Significance.

GeneDx
Classification: Uncertain significance. Last evaluated: 2022-08-19. Review status: criteria provided, single submitter. Criteria: GeneDx Variant Classification Process June 2021. Collection method: clinical testing. Allele origin: germline. Affected: yes.
Comment: Has not been previously published as pathogenic or benign to our knowledge; Not observed at significant frequency in large population cohorts (gnomAD); In silico analysis supports that this missense variant has a deleterious effect on protein structure/function; In silico analysis suggests this variant may impact gene splicing. In the absence of RNA/functional studies, the actual effect of this sequence change is unknown.

Ambry Genetics
Classification: Uncertain significance for Inborn genetic diseases. Last evaluated: 2022-01-31. Review status: criteria provided, single submitter. Criteria: Ambry Variant Classification Scheme 2023. Collection method: clinical testing. Allele origin: germline.